The following is an entry in ClinVar:

NM_001127671.2(LIFR):c.2282T>C (p.Phe761Ser)

Gene: LIFR (LIF receptor subunit alpha; minus strand). Cytogenetic location: 5p13.1.
Variant type: single nucleotide variant.
Coding change: c.2282T>C on transcript NM_001127671.2 (MANE Select); coding-DNA position 2282, T replaced by C.
Protein change: p.Phe761Ser; replaces phenylalanine 761 with serine.
Molecular consequence: missense variant.
Genome position (GRCh38, 1-based): chr5:38,489,131, A>G on the plus strand (T>C on the coding strand, the complement: LIFR is on the minus strand). VCF-style: chr5-38489131-A-G. GRCh37 (hg19) VCF-style: chr5-38489233-A-G.
Other names: c.2282T>C, p.Phe761Ser (NM_001364297.2, NM_001364298.2, NM_002310.6); short protein forms F761S.
Identifiers: ClinVar variation 1373912 (VCV001373912.5), dbSNP rs1287071072, ClinGen allele CA359537094.

ClinVar aggregate classification (germline): Uncertain significance (1 of 4 stars; one submission).

Allele frequency attached by ClinVar (database versions not stated): gnomAD exomes below 0.00001; gnomAD 0.00001; TOPMed 0.00001.
gnomAD v4.1: 8 of 1,613,092 alleles (0.0005%); highest among the groups gnomAD compares: Non-Finnish European, 0.00068%; no homozygotes.

Submission:

Labcorp Genetics (formerly Invitae), Labcorp
Classification: Uncertain significance. Last evaluated: 2022-07-05. Review status: criteria provided, single submitter. Criteria: Invitae Variant Classification Sherloc (09022015). Collection method: clinical testing. Allele origin: germline.
Comment: This sequence change replaces phenylalanine, which is neutral and non-polar, with serine, which is neutral and polar, at codon 761 of the LIFR protein (p.Phe761Ser). This variant is not present in population databases (gnomAD no frequency). This variant has not been reported in the literature in individuals affected with LIFR-related conditions. ClinVar contains an entry for this variant (Variation ID: 1373912). Algorithms developed to predict the effect of missense changes on protein structure and function are either unavailable or do not agree on the potential impact of this missense change (SIFT: "Tolerated"; PolyPhen-2: "Probably Damaging"; Align-GVGD: "Class C15"). In summary, the available evidence is currently insufficient to determine the role of this variant in disease. Therefore, it has been classified as a Variant of Uncertain Significance.